The following is an entry in ClinVar:

ClinVar aggregate classification (germline): Conflicting classifications of pathogenicity. Review status: criteria provided, conflicting classifications (1 of 4 stars). 3 submissions from 3 submitters: Uncertain significance (1); Likely benign (1). 1 of the submissions does not count toward it. Last evaluated 2025-08-18.

Conditions:
Hereditary insensitivity to pain with anhidrosis (CIPA). Also called: NTRK1 Congenital Insensitivity to Pain with Anhidrosis; INSENSITIVITY TO PAIN, CONGENITAL, WITH ANHIDROSIS; HSAN Type IV; FAMILIAL DYSAUTONOMIA, TYPE II; NEUROPATHY, CONGENITAL SENSORY, WITH ANHIDROSIS; hereditary sensory and autonomic neuropathy type 4. Identifiers: Orphanet 642, MedGen C0020074, MONDO:0009746, OMIM 256800.
Inborn genetic diseases. Identifiers: MedGen C0950123, MeSH D030342.

Allele frequency attached by ClinVar (database versions not stated): gnomAD 0.00005 and 0.00006; TOPMed 0.00006; gnomAD exomes 0.00011 and 0.00037; ESP Exome Variant Server 0.00015; ExAC 0.00074.
gnomAD v4.1: 198 of 1,612,044 alleles (0.012%); highest among the groups gnomAD compares: Non-Finnish European, 0.01%; 1 homozygote.

Submissions (3):

Labcorp Genetics (formerly Invitae), Labcorp
Classification: Likely benign for Hereditary insensitivity to pain with anhidrosis. Last evaluated: 2025-08-18. Review status: criteria provided, single submitter. Criteria: Invitae Variant Classification Sherloc (09022015). Collection method: clinical testing. Allele origin: germline.

Ambry Genetics
Classification: Uncertain significance for Inborn genetic diseases. Last evaluated: 2020-12-18. Review status: criteria provided, single submitter. Criteria: Ambry Variant Classification Scheme 2023. Collection method: clinical testing. Allele origin: germline.
Comment: The p.T699S variant (also known as c.2095A>T), located in coding exon 15 of the NTRK1 gene, results from an A to T substitution at nucleotide position 2095. The threonine at codon 699 is replaced by serine, an amino acid with similar properties. This amino acid position is not well conserved in available vertebrate species. In addition, the in silico prediction for this alteration is inconclusive. Since supporting evidence is limited at this time, the clinical significance of this alteration remains unclear.

Natera, Inc.
Classification: Uncertain significance for Hereditary insensitivity to pain with anhidrosis. Last evaluated: 2020-04-18. Review status: no assertion criteria provided. Collection method: clinical testing. Allele origin: germline. Not counted in ClinVar's aggregate classification.

NM_002529.4(NTRK1):c.2113A>T (p.Thr705Ser)

Gene: NTRK1 (neurotrophic receptor tyrosine kinase 1; plus strand). Cytogenetic location: 1q23.1.
Variant type: single nucleotide variant.
Coding change: c.2113A>T on transcript NM_002529.4 (MANE Select); coding-DNA position 2113, A replaced by T.
Protein change: p.Thr705Ser; replaces threonine 705 with serine.
Molecular consequence: missense variant.
Genome position (GRCh38, 1-based): chr1:156,880,065, A>T. VCF-style: chr1-156880065-A-T. GRCh37 (hg19) VCF-style: chr1-156849857-A-T.
Other names: c.2005A>T, p.Thr669Ser (NM_001007792.1); c.2095A>T, p.Thr699Ser (NM_001012331.2); short protein forms T705S, T669S, T699S.
Identifiers: ClinVar variation 766826 (VCV000766826.13), dbSNP rs200935209, ClinGen allele CA1169570.